The following is an entry in ClinVar:

NM_003239.5(TGFB3):c.742A>T (p.Ile248Phe)

Gene: TGFB3 (transforming growth factor beta 3; minus strand). Cytogenetic location: 14q24.3.
Variant type: single nucleotide variant.
Coding change: c.742A>T on transcript NM_003239.5 (MANE Select); coding-DNA position 742, A replaced by T.
Protein change: p.Ile248Phe; replaces isoleucine 248 with phenylalanine.
Molecular consequence: missense variant.
Genome position (GRCh38, 1-based): chr14:75,965,600, T>A on the plus strand (A>T on the coding strand, the complement: TGFB3 is on the minus strand). VCF-style: chr14-75965600-T-A. GRCh37 (hg19) VCF-style: chr14-76431943-T-A.
Other names: c.742A>T, p.Ile248Phe (NM_001329938.2, NM_001329939.2); short protein forms I248F.
Identifiers: ClinVar variation 1719662 (VCV001719662.6), dbSNP rs2035211931, ClinGen allele CA390468821.
Genomic context (GRCh38, chr14:75,965,600, plus strand): 5'-AACTTCCCCCCCACTCACCCATCCTACCATACACATTCATTTTGTTACCTTTGAATTTGA[T>A]TTCCATCACCTCGTGAATGTTTTCCAGGATATCTCCATTGGGCTGAAAGGTGTGACATGG-3'
Protein context (NP_003230.1, residues 238-258): ILENIHEVME[Ile248Phe]KFKGVDNEDD

ClinVar aggregate classification (germline): Uncertain significance (1 of 4 stars; one submission).

Conditions:
Rienhoff syndrome. Also called: LOEYS-DIETZ SYNDROME 5. Identifiers: MedGen C3810012, MONDO:0014262, OMIM 615582.

Allele frequency attached by ClinVar (database versions not stated): gnomAD exomes below 0.00001.
gnomAD v4.1: 1 of 1,613,712 alleles (0.000062%); highest among the groups gnomAD compares: Non-Finnish European, 0.000085%; no homozygotes.

Submission:

Labcorp Genetics (formerly Invitae), Labcorp
Classification: Uncertain significance for Rienhoff syndrome. Last evaluated: 2022-09-21. Review status: criteria provided, single submitter. Criteria: Invitae Variant Classification Sherloc (09022015). Collection method: clinical testing. Allele origin: germline.
Comment: This variant is not present in population databases (gnomAD no frequency). This missense change has been observed in individual(s) with clinical features of TGFB3-related conditions (Invitae). Advanced modeling of protein sequence and biophysical properties (such as structural, functional, and spatial information, amino acid conservation, physicochemical variation, residue mobility, and thermodynamic stability) performed at Invitae indicates that this missense variant is not expected to disrupt TGFB3 protein function. In summary, the available evidence is currently insufficient to determine the role of this variant in disease. Therefore, it has been classified as a Variant of Uncertain Significance. This sequence change replaces isoleucine, which is neutral and non-polar, with phenylalanine, which is neutral and non-polar, at codon 248 of the TGFB3 protein (p.Ile248Phe).